The following is an entry in ClinVar:

ClinVar aggregate classification (germline): Pathogenic (1 of 4 stars; one submission).

Conditions:
Charcot-Marie-Tooth disease type 2. Also called: Charcot-Marie-Tooth type 2. Identifiers: Orphanet 64746, MedGen C0270914, MONDO:0018993.

Submission:

Labcorp Genetics (formerly Invitae), Labcorp
Classification: Pathogenic for Charcot-Marie-Tooth disease type 2. Last evaluated: 2019-12-15. Review status: criteria provided, single submitter. Criteria: Invitae Variant Classification Sherloc (09022015). Collection method: clinical testing. Allele origin: germline.
Comment: For these reasons, this variant has been classified as Pathogenic. While this particular variant has not been reported in the literature, loss-of-function variants in LMNA are known to be pathogenic (PMID: 23183350). This sequence change creates a premature translational stop signal at codon 330 (p.Glu330*) of the LMNA gene. It is expected to result in an absent or disrupted protein product.

Literature cited by the submitters: PubMed 23183350.

NM_170707.4(LMNA):c.988G>T (p.Glu330Ter)

Gene: LMNA (lamin A/C; plus strand). Cytogenetic location: 1q22.
Variant type: single nucleotide variant.
Coding change: c.988G>T on transcript NM_170707.4 (MANE Select); coding-DNA position 988, G replaced by T.
Protein change: p.Glu330Ter; replaces glutamic acid 330 with a stop codon.
Molecular consequence: nonsense.
Genome position (GRCh38, 1-based): chr1:156,135,952, G>T. VCF-style: chr1-156135952-G-T. GRCh37 (hg19) VCF-style: chr1-156105743-G-T.
Other names: c.652G>T, p.Glu218Ter (NM_001257374.3); c.745G>T, p.Glu249Ter (NM_001282624.2); c.988G>T, p.Glu330Ter (NM_001282625.2, NM_001282626.2, NM_005572.4 and 1 more transcripts); short protein forms E330*, E218*, E249*.
Identifiers: ClinVar variation 408988 (VCV000408988.10), dbSNP rs1060502211, ClinGen allele CA16609891.